The following is an entry in ClinVar:

ClinVar aggregate classification (germline): Benign (0 of 4 stars; one submission).

Conditions:
MUC16-related disorder. Also called: MUC16-related condition.

Allele frequency attached by ClinVar (database versions not stated): ExAC 0.00100; gnomAD 0.00318; TOPMed 0.00357; ESP Exome Variant Server 0.00406; 1000 Genomes Project 0.00539; 1000 Genomes Project 30x 0.00562.

Submission:

PreventionGenetics, part of Exact Sciences
Classification: Benign for MUC16-related condition. Last evaluated: 2019-05-31. Review status: no assertion criteria provided. Collection method: clinical testing. Allele origin: germline.
Comment: This variant is classified as benign based on ACMG/AMP sequence variant interpretation guidelines (Richards et al. 2015 PMID: 25741868, with internal and published modifications).

NM_001401501.2(MUC16):c.9701-9T>C

Gene: MUC16 (mucin 16, cell surface associated; minus strand). Cytogenetic location: 19p13.2.
Variant type: single nucleotide variant.
Coding change: c.9701-9T>C on transcript NM_001401501.2 (MANE Select); 9 bases into the intron before coding-DNA position 9701, T replaced by C.
Molecular consequence: intron variant.
Genome position (GRCh38, 1-based): chr19:8,967,198, A>G on the plus strand (T>C on the coding strand, the complement: MUC16 is on the minus strand). VCF-style: chr19-8967198-A-G. GRCh37 (hg19) VCF-style: chr19-9077874-A-G.
Other names: c.10127-9T>C (NM_001414686.1); c.9581-9T>C (NM_001414687.1, NM_024690.2).
Identifiers: ClinVar variation 3041837 (VCV003041837.2), dbSNP rs148320593, ClinGen allele CA9171650.